The following is an entry in ClinVar:

NM_144997.7(FLCN):c.507G>A (p.Trp169Ter)

Gene: FLCN (folliculin; minus strand). Cytogenetic location: 17p11.2.
Variant type: single nucleotide variant.
Coding change: c.507G>A on transcript NM_144997.7 (MANE Select); coding-DNA position 507, G replaced by A.
Protein change: p.Trp169Ter; replaces tryptophan 169 with a stop codon.
Molecular consequence: nonsense.
Genome position (GRCh38, 1-based): chr17:17,224,033, C>T on the plus strand (G>A on the coding strand, the complement: FLCN is on the minus strand). VCF-style: chr17-17224033-C-T. GRCh37 (hg19) VCF-style: chr17-17127347-C-T.
Other names: p.Trp169*; c.507G>A, p.Trp169Ter (NM_001353231.2, NM_144606.7, NM_001353230.2); c.561G>A, p.Trp187Ter (NM_001353229.2); short protein forms W169*, W187*.
Identifiers: ClinVar variation 439730 (VCV000439730.9), dbSNP rs1555610290, ClinGen allele CA398534408.

ClinVar aggregate classification (germline): Pathogenic/Likely pathogenic. Review status: criteria provided, multiple submitters, no conflicts (2 of 4 stars). 2 submissions from 2 submitters: Pathogenic (1); Likely pathogenic (1). Last evaluated 2025-06-03.

Submissions (2):

Mayo Clinic Laboratories, Mayo Clinic
Classification: Likely pathogenic. Last evaluated: 2025-06-03. Review status: criteria provided, single submitter. Criteria: ACMG Guidelines, 2015. Collection method: clinical testing. Allele origin: germline. Observed: 1 variant allele.
Comment: PM2_supporting, PVS1

ARUP Laboratories, Molecular Genetics and Genomics, ARUP Laboratories
Classification: Pathogenic. Last evaluated: 2017-02-14. Review status: criteria provided, single submitter. Criteria: ARUP Molecular Germline Variant Investigation Process. Collection method: clinical testing. Allele origin: germline.